The following is an entry in ClinVar:

ClinVar aggregate classification (germline): Uncertain significance (1 of 4 stars; one submission).

gnomAD v4.1: 23 of 1,614,000 alleles (0.0014%); highest among the groups gnomAD compares: African/African-American, 0.0027%; no homozygotes.

Submission:

Labcorp Genetics (formerly Invitae), Labcorp
Classification: Uncertain significance. Last evaluated: 2023-11-13. Review status: criteria provided, single submitter. Criteria: Invitae Variant Classification Sherloc (09022015). Collection method: clinical testing. Allele origin: germline.
Comment: This sequence change replaces valine, which is neutral and non-polar, with alanine, which is neutral and non-polar, at codon 1286 of the PCDH15 protein (p.Val1286Ala). This variant is present in population databases (no rsID available, gnomAD 0.002%). This variant has not been reported in the literature in individuals affected with PCDH15-related conditions. ClinVar contains an entry for this variant (Variation ID: 2079322). Advanced modeling of protein sequence and biophysical properties (such as structural, functional, and spatial information, amino acid conservation, physicochemical variation, residue mobility, and thermodynamic stability) performed at Invitae indicates that this missense variant is expected to disrupt PCDH15 protein function with a positive predictive value of 80%. In summary, the available evidence is currently insufficient to determine the role of this variant in disease. Therefore, it has been classified as a Variant of Uncertain Significance.

NM_001384140.1(PCDH15):c.3857T>C (p.Val1286Ala)

Gene: PCDH15 (protocadherin related 15; minus strand). Cytogenetic location: 10q21.1.
Variant type: single nucleotide variant.
Coding change: c.3857T>C on transcript NM_001384140.1 (MANE Select); coding-DNA position 3857, T replaced by C.
Protein change: p.Val1286Ala; replaces valine 1286 with alanine.
Molecular consequence: missense variant.
Genome position (GRCh38, 1-based): chr10:53,840,446, A>G on the plus strand (T>C on the coding strand, the complement: PCDH15 is on the minus strand). VCF-style: chr10-53840446-A-G. GRCh37 (hg19) VCF-style: chr10-55600206-A-G.
Other names: c.3872T>C, p.Val1291Ala (NM_001142763.2, NM_001142771.2); c.3857T>C, p.Val1286Ala (NM_001142764.2, NM_001142766.2, NM_001142770.3 and 4 more transcripts); c.3644T>C, p.Val1215Ala (NM_001142765.2); c.3746T>C, p.Val1249Ala (NM_001142767.2); c.3791T>C, p.Val1264Ala (NM_001142768.2, NM_001142773.2, NM_001354404.2); c.3893T>C, p.Val1298Ala (NM_001142769.4); c.3878T>C, p.Val1293Ala (NM_001354411.2); short protein forms V1215A, V1249A, V1293A, V1286A, V1291A, V1264A, V1298A.
Identifiers: ClinVar variation 2079322 (VCV002079322.4), dbSNP rs375292203, ClinGen allele CA376528912.